The following is an entry in ClinVar:

NM_000101.4(CYBA):c.58+2T>G

Gene: CYBA (cytochrome b-245 alpha chain; minus strand). Cytogenetic location: 16q24.2.
Variant type: single nucleotide variant.
Coding change: c.58+2T>G on transcript NM_000101.4 (MANE Select); the canonical splice donor site of the intron after coding-DNA position 58, T replaced by G.
Molecular consequence: splice donor variant.
Genome position (GRCh38, 1-based): chr16:88,650,954, A>C on the plus strand (T>G on the coding strand, the complement: CYBA is on the minus strand). VCF-style: chr16-88650954-A-C. GRCh37 (hg19) VCF-style: chr16-88717362-A-C.
Identifiers: ClinVar variation 4817432 (VCV004817432.1).

ClinVar aggregate classification (germline): Pathogenic (1 of 4 stars; one submission).

Conditions:
Chronic granulomatous disease. Identifiers: Orphanet 379, MedGen C0018203, MONDO:0018305.

Submission:

Natera, Inc.
Classification: Pathogenic for Chronic granulomatous disease. Last evaluated: 2025-11-13. Review status: criteria provided, single submitter. Criteria: Natera Variant Classification Schema (03/2026). Collection method: clinical testing. Allele origin: germline.
Comment: The c.58+2T>G variant in CYBA is a canonical splice donor site variant predicted to affect pre-mRNA splicing, which may result in an abnormal transcript and altered protein product. This variant is expected to result in nonsense mediated decay, truncation, or a dysfunctional protein product. This variant is rare in the general population with a frequency below the threshold expected for the associated phenotype(s). This variant has been observed in one or more individuals affected with the associated recessive disease, as either homozygous or compound heterozygous with a second variant (PMID: 23910690, 34547651). Given the available evidence, this variant is classified as Pathogenic.

Literature cited by the submitters: PubMed 23910690; PubMed 34547651.